The following is an entry in ClinVar:

ClinVar aggregate classification (germline): Uncertain significance (1 of 4 stars; one submission).

Submission:

Labcorp Genetics (formerly Invitae), Labcorp
Classification: Uncertain significance. Last evaluated: 2025-05-19. Review status: criteria provided, single submitter. Criteria: Invitae Variant Classification Sherloc (09022015). Collection method: clinical testing. Allele origin: germline.
Comment: This sequence change replaces arginine, which is basic and polar, with proline, which is neutral and non-polar, at codon 1134 of the PIEZO1 protein (p.Arg1134Pro). This variant is not present in population databases (gnomAD no frequency). This variant has not been reported in the literature in individuals affected with PIEZO1-related conditions. Invitae Evidence Modeling of protein sequence and biophysical properties (such as structural, functional, and spatial information, amino acid conservation, physicochemical variation, residue mobility, and thermodynamic stability) has been performed for this missense variant. However, the output from this modeling did not meet the statistical confidence thresholds required to predict the impact of this variant on PIEZO1 protein function. In summary, the available evidence is currently insufficient to determine the role of this variant in disease. Therefore, it has been classified as a Variant of Uncertain Significance.

NM_001142864.4(PIEZO1):c.3401G>C (p.Arg1134Pro)

Gene: PIEZO1 (piezo type mechanosensitive ion channel component 1 (Er blood group); minus strand). Cytogenetic location: 16q24.3.
Variant type: single nucleotide variant.
Coding change: c.3401G>C on transcript NM_001142864.4 (MANE Select); coding-DNA position 3401, G replaced by C.
Protein change: p.Arg1134Pro; replaces arginine 1134 with proline.
Molecular consequence: missense variant.
Genome position (GRCh38, 1-based): chr16:88,727,093, C>G on the plus strand (G>C on the coding strand, the complement: PIEZO1 is on the minus strand). VCF-style: chr16-88727093-C-G. GRCh37 (hg19) VCF-style: chr16-88793501-C-G.
Other names: short protein forms R1134P.
Identifiers: ClinVar variation 4744267 (VCV004744267.1).